The following is an entry in ClinVar:

NM_144997.7(FLCN):c.1272G>A (p.Val424=)

Gene: FLCN (folliculin; minus strand). Cytogenetic location: 17p11.2.
Variant type: single nucleotide variant.
Coding change: c.1272G>A on transcript NM_144997.7 (MANE Select); coding-DNA position 1272, G replaced by A.
Protein change: p.Val424=; no amino-acid change (valine 424 retained).
Molecular consequence: synonymous variant.
Genome position (GRCh38, 1-based): chr17:17,216,408, C>T on the plus strand (G>A on the coding strand, the complement: FLCN is on the minus strand). VCF-style: chr17-17216408-C-T. GRCh37 (hg19) VCF-style: chr17-17119722-C-T.
Other names: c.1326G>A, p.Val442= (NM_001353229.2); c.1272G>A, p.Val424= (NM_001353230.2, NM_001353231.2).
Identifiers: ClinVar variation 3773060 (VCV003773060.1).

ClinVar aggregate classification (germline): Benign (1 of 4 stars; one submission).

Conditions:
Birt-Hogg-Dube syndrome 1 (BHD1). Also called: FIBROFOLLICULOMAS WITH TRICHODISCOMAS AND ACROCHORDONS. Identifiers: Orphanet 122, MedGen CN375946, MONDO:0800445, OMIM 135150.

Submission:

Myriad Genetics, Inc.
Classification: Benign for Birt-Hogg-Dube syndrome 1. Last evaluated: 2024-10-24. Review status: criteria provided, single submitter. Criteria: Myriad Autosomal Dominant, Autosomal Recessive and X-Linked Classification Criteria (2023). Collection method: clinical testing. Allele origin: unknown.
Comment: This variant is considered benign. This variant is a silent/synonymous amino acid change and it is not expected to impact splicing.